The following is an entry in ClinVar:

NM_001033855.3(DCLRE1C):c.1465T>C (p.Trp489Arg)

Gene: DCLRE1C (DNA cross-link repair 1C; minus strand). Cytogenetic location: 10p13.
Variant type: single nucleotide variant.
Coding change: c.1465T>C on transcript NM_001033855.3 (MANE Select); coding-DNA position 1465, T replaced by C.
Protein change: p.Trp489Arg; replaces tryptophan 489 with arginine.
Molecular consequence: missense variant. On other transcripts: non-coding transcript variant (4).
Genome position (GRCh38, 1-based): chr10:14,909,022, A>G on the plus strand (T>C on the coding strand, the complement: DCLRE1C is on the minus strand). VCF-style: chr10-14909022-A-G. GRCh37 (hg19) VCF-style: chr10-14951021-A-G.
Other names: c.1105T>C, p.Trp369Arg (NM_001033857.3, NM_001033858.3, NM_001289077.2 and 2 more transcripts); c.1120T>C, p.Trp374Arg (NM_001289076.2, NM_001289078.2, NM_001350966.2 and 1 more transcripts); c.1465T>C, p.Trp489Arg (NM_001350965.2); short protein forms W489R, W374R, W369R.
Identifiers: ClinVar variation 1519374 (VCV001519374.5), dbSNP rs904814123, ClinGen allele CA203428985.

ClinVar aggregate classification (germline): Uncertain significance (1 of 4 stars; one submission).

Conditions:
Severe combined immunodeficiency due to DCLRE1C deficiency (RS-SCID). Also called: SCID, AUTOSOMAL RECESSIVE, T CELL-NEGATIVE, B CELL-NEGATIVE, NK CELL-POSITIVE, WITH SENSITIVITY TO IONIZING RADIATION. Identifiers: Orphanet 275, MedGen C1865371, MONDO:0011225, OMIM 602450.

Submission:

Labcorp Genetics (formerly Invitae), Labcorp
Classification: Uncertain significance for Athabaskan severe combined immunodeficiency. Last evaluated: 2022-08-15. Review status: criteria provided, single submitter. Criteria: Invitae Variant Classification Sherloc (09022015). Collection method: clinical testing. Allele origin: germline.
Comment: This sequence change replaces tryptophan, which is neutral and slightly polar, with arginine, which is basic and polar, at codon 489 of the DCLRE1C protein (p.Trp489Arg). This variant is not present in population databases (gnomAD no frequency). This variant has not been reported in the literature in individuals affected with DCLRE1C-related conditions. ClinVar contains an entry for this variant (Variation ID: 1519374). Algorithms developed to predict the effect of missense changes on protein structure and function are either unavailable or do not agree on the potential impact of this missense change (SIFT: "Tolerated"; PolyPhen-2: "Probably Damaging"; Align-GVGD: "Class C0"). In summary, the available evidence is currently insufficient to determine the role of this variant in disease. Therefore, it has been classified as a Variant of Uncertain Significance.